The following is an entry in ClinVar:

ClinVar aggregate classification (germline): Uncertain significance (1 of 4 stars; one submission).

Submission:

Labcorp Genetics (formerly Invitae), Labcorp
Classification: Uncertain significance. Last evaluated: 2025-03-04. Review status: criteria provided, single submitter. Criteria: Invitae Variant Classification Sherloc (09022015). Collection method: clinical testing. Allele origin: germline.
Comment: This sequence change falls in intron 3 of the RUNX2 gene. It does not directly change the encoded amino acid sequence of the RUNX2 protein. Information on the frequency of this variant in the gnomAD database is not available, as this variant may be reported differently in the database. This variant has not been reported in the literature in individuals affected with RUNX2-related conditions. In summary, the available evidence is currently insufficient to determine the role of this variant in disease. Therefore, it has been classified as a Variant of Uncertain Significance.

NM_001024630.4(RUNX2):c.423+16_423+17delinsCT

Gene: RUNX2 (RUNX family transcription factor 2; plus strand). Cytogenetic location: 6p21.1.
Variant type: Indel.
Coding change: c.423+16_423+17delinsCT on transcript NM_001024630.4 (MANE Select); bases 16 to 17 of the intron after coding-DNA position 423, GC replaced by CT.
Molecular consequence: intron variant.
Genome position (GRCh38, 1-based): chr6:45,422,973-45,422,974, GC replaced by CT. VCF-style: chr6-45422973-GC-CT. GRCh37 (hg19) VCF-style: chr6-45390710-GC-CT.
Other names: c.423+16_423+17delinsCT (NM_001015051.4); c.381+16_381+17delinsCT (NM_001369405.1, NM_001278478.2).
Identifiers: ClinVar variation 3724020 (VCV003724020.2).